The following is an entry in ClinVar:

ClinVar aggregate classification (germline): Uncertain significance. Review status: criteria provided, multiple submitters, no conflicts (2 of 4 stars). 4 submissions from 4 submitters: Uncertain significance (3). 1 of the submissions does not count toward it. Last evaluated 2025-04-07.

Conditions:
Inborn genetic diseases. Identifiers: MedGen C0950123, MeSH D030342.
Fanconi anemia (FA). Also called: Fanconi's anemia. Identifiers: Orphanet 84, MedGen C0015625, MeSH D005199, MONDO:0019391.
Fanconi anemia complementation group A (FANCA). Also called: FANCA-Related Fanconi Anemia; Fanconi anemia, group A. Identifiers: Orphanet 84, MedGen C3469521, MONDO:0009215, OMIM 227650.

Allele frequency attached by ClinVar (database versions not stated): gnomAD exomes 0.00001; gnomAD 0.00002; TOPMed 0.00002.
gnomAD v4.1: 20 of 1,613,710 alleles (0.0012%); highest among the groups gnomAD compares: Non-Finnish European, 0.0017%; no homozygotes.

Submissions (4):

Ambry Genetics
Classification: Uncertain significance for Inborn genetic diseases. Last evaluated: 2025-04-07. Review status: criteria provided, single submitter. Criteria: Ambry Variant Classification Scheme 2023. Collection method: clinical testing. Allele origin: germline.

Labcorp Genetics (formerly Invitae), Labcorp
Classification: Uncertain significance for Fanconi anemia. Last evaluated: 2024-09-03. Review status: criteria provided, single submitter. Criteria: Invitae Variant Classification Sherloc (09022015). Collection method: clinical testing. Allele origin: germline.
Comment: This sequence change replaces glutamic acid, which is acidic and polar, with valine, which is neutral and non-polar, at codon 1254 of the FANCA protein (p.Glu1254Val). This variant is present in population databases (rs750773229, gnomAD 0.005%). This variant has not been reported in the literature in individuals affected with FANCA-related conditions. ClinVar contains an entry for this variant (Variation ID: 237051). Invitae Evidence Modeling of protein sequence and biophysical properties (such as structural, functional, and spatial information, amino acid conservation, physicochemical variation, residue mobility, and thermodynamic stability) has been performed for this missense variant. However, the output from this modeling did not meet the statistical confidence thresholds required to predict the impact of this variant on FANCA protein function. In summary, the available evidence is currently insufficient to determine the role of this variant in disease. Therefore, it has been classified as a Variant of Uncertain Significance.

Quest Diagnostics Nichols Institute San Juan Capistrano
Classification: Uncertain significance. Last evaluated: 2021-06-01. Review status: criteria provided, single submitter. Criteria: Quest Diagnostics criteria. Collection method: clinical testing. Allele origin: unknown.

Counsyl
Classification: Uncertain significance for Fanconi anemia complementation group A. Last evaluated: 2017-11-28. Review status: no assertion criteria provided. Collection method: clinical testing. Allele origin: unknown. Not counted in ClinVar's aggregate classification.

NM_000135.4(FANCA):c.3761A>T (p.Glu1254Val)

Gene: FANCA (FA complementation group A; minus strand). Cytogenetic location: 16q24.3.
Variant type: single nucleotide variant.
Coding change: c.3761A>T on transcript NM_000135.4 (MANE Select); coding-DNA position 3761, A replaced by T.
Protein change: p.Glu1254Val; replaces glutamic acid 1254 with valine.
Molecular consequence: missense variant.
Genome position (GRCh38, 1-based): chr16:89,742,804, T>A on the plus strand (A>T on the coding strand, the complement: FANCA is on the minus strand). VCF-style: chr16-89742804-T-A. GRCh37 (hg19) VCF-style: chr16-89809212-T-A.
Other names: c.3761A>T (LRG_495t1); c.3761A>T, p.Glu1254Val (NM_001286167.3); short protein forms E1254V.
Identifiers: ClinVar variation 237051 (VCV000237051.10), dbSNP rs750773229, ClinGen allele CA8251000.